The following is an entry in ClinVar:

NM_003872.3(NRP2):c.724A>T (p.Thr242Ser)

Gene: NRP2 (neuropilin 2; plus strand). Cytogenetic location: 2q33.3.
Variant type: single nucleotide variant.
Coding change: c.724A>T on transcript NM_003872.3 (MANE Select); coding-DNA position 724, A replaced by T.
Protein change: p.Thr242Ser; replaces threonine 242 with serine.
Molecular consequence: missense variant.
Genome position (GRCh38, 1-based): chr2:205,723,844, A>T. VCF-style: chr2-205723844-A-T. GRCh37 (hg19) VCF-style: chr2-206588568-A-T.
Other names: c.724A>T, p.Thr242Ser (NM_018534.4, NM_201264.2, NM_201266.2 and 2 more transcripts); short protein forms T242S.
Identifiers: ClinVar variation 4991803 (VCV004991803.1).

ClinVar aggregate classification (germline): Uncertain significance (1 of 4 stars; one submission).

Conditions:
NRP2-related disorder. Also called: NRP2-related condition.

Submission:

PreventionGenetics, part of Exact Sciences
Classification: Uncertain significance for NRP2-related condition. Last evaluated: 2026-08-11. Review status: criteria provided, single submitter. Criteria: ACMG Guidelines, 2015. Collection method: clinical testing. Allele origin: germline.
Comment: The NRP2 c.724A>T variant is predicted to result in the amino acid substitution p.Thr242Ser. To our knowledge, this variant has not been reported in the literature or in a large population database (gnomAD), indicating this variant is rare. At this time, the clinical significance of this variant is uncertain due to the absence of conclusive functional and genetic evidence.